The following is an entry in ClinVar:

NM_032578.4(MYPN):c.1033A>G (p.Asn345Asp)

Gene: MYPN (myopalladin; plus strand). Cytogenetic location: 10q21.3.
Variant type: single nucleotide variant.
Coding change: c.1033A>G on transcript NM_032578.4 (MANE Select); coding-DNA position 1033, A replaced by G.
Protein change: p.Asn345Asp; replaces asparagine 345 with aspartic acid.
Molecular consequence: missense variant. On other transcripts: non-coding transcript variant (2).
Genome position (GRCh38, 1-based): chr10:68,143,070, A>G. VCF-style: chr10-68143070-A-G. GRCh37 (hg19) VCF-style: chr10-69902827-A-G.
Other names: c.1033A>G, p.Asn345Asp (NM_001256267.2); c.151A>G, p.Asn51Asp (NM_001256268.2); short protein forms N51D, N345D.
Identifiers: ClinVar variation 1487643 (VCV001487643.8), dbSNP rs757786796, ClinGen allele CA5522400.

ClinVar aggregate classification (germline): Uncertain significance (1 of 4 stars; one submission).

Conditions:
Dilated cardiomyopathy 1KK (CMD1KK). Identifiers: Orphanet 154, Orphanet 75249, MedGen C3714995, MONDO:0014100, OMIM 615248.

Allele frequency attached by ClinVar (database versions not stated): gnomAD exomes below 0.00001; ExAC 0.00001.
gnomAD v4.1: 1 of 1,614,194 alleles (0.000062%); highest among the groups gnomAD compares: Admixed American, 0.0017%; no homozygotes.

Submission:

Labcorp Genetics (formerly Invitae), Labcorp
Classification: Uncertain significance for Dilated cardiomyopathy 1KK. Last evaluated: 2021-04-10. Review status: criteria provided, single submitter. Criteria: Invitae Variant Classification Sherloc (09022015). Collection method: clinical testing. Allele origin: germline.
Comment: In summary, the available evidence is currently insufficient to determine the role of this variant in disease. Therefore, it has been classified as a Variant of Uncertain Significance. Algorithms developed to predict the effect of missense changes on protein structure and function are either unavailable or do not agree on the potential impact of this missense change (SIFT: "Tolerated"; PolyPhen-2: "Probably Damaging"; Align-GVGD: "Class C0"). This variant has not been reported in the literature in individuals with MYPN-related conditions. This variant is present in population databases (rs757786796, ExAC 0.009%). This sequence change replaces asparagine with aspartic acid at codon 345 of the MYPN protein (p.Asn345Asp). The asparagine residue is highly conserved and there is a small physicochemical difference between asparagine and aspartic acid.